The following is an entry in ClinVar:

NM_000081.4(LYST):c.2355T>C (p.Leu785=)

Gene: LYST (lysosomal trafficking regulator; minus strand). Cytogenetic location: 1q42.3.
Variant type: single nucleotide variant.
Coding change: c.2355T>C on transcript NM_000081.4 (MANE Select); coding-DNA position 2355, T replaced by C.
Protein change: p.Leu785=; no amino-acid change (leucine 785 retained).
Molecular consequence: synonymous variant.
Genome position (GRCh38, 1-based): chr1:235,808,463, A>G on the plus strand (T>C on the coding strand, the complement: LYST is on the minus strand). VCF-style: chr1-235808463-A-G. GRCh37 (hg19) VCF-style: chr1-235971763-A-G.
Other names: p.Leu785=; c.2355T>C, p.Leu785= (NM_001301365.1); c.2355T>C (NM_000081.2).
Identifiers: ClinVar variation 254915 (VCV000254915.23), dbSNP rs3768066, ClinGen allele CA1467322.

ClinVar aggregate classification (germline): Benign/Likely benign. Review status: criteria provided, multiple submitters, no conflicts (2 of 4 stars). 7 submissions from 7 submitters: Benign (5); Likely benign (2). Last evaluated 2026-02-04.

Conditions:
Chédiak-Higashi syndrome (CHS). Also called: Chediak-Higashi Syndrome. Identifiers: Orphanet 167, MedGen C0007965, MONDO:0008963, OMIM 214500.

Allele frequency attached by ClinVar (database versions not stated): 1000 Genomes Project 0.07069; 1000 Genomes Project 30x 0.07245; ExAC 0.10350; gnomAD 0.10691 and 0.10928; TOPMed 0.10886; ESP Exome Variant Server 0.11648.

Submissions (7):

Labcorp Genetics (formerly Invitae), Labcorp
Classification: Benign for Chédiak-Higashi syndrome. Last evaluated: 2026-02-04. Review status: criteria provided, single submitter. Criteria: Invitae Variant Classification Sherloc (09022015). Collection method: clinical testing. Allele origin: germline.

Blueprint Genetics
Classification: Likely benign. Last evaluated: 2024-11-26. Review status: criteria provided, single submitter. Criteria: ACMG Guidelines, 2015. Collection method: clinical testing. Allele origin: germline.

Unidad de Genómica Garrahan, Hospital de Pediatría Garrahan
Classification: Benign. Last evaluated: 2024-01-24. Review status: criteria provided, single submitter. Criteria: ACMG Guidelines, 2015. Collection method: clinical testing. Allele origin: germline. Affected: no. Observed: 20 variant alleles.
Comment: This variant is classified as Benign based on local population frequency. This variant was detected in 21% of patients studied by a panel of primary immunodeficiencies. Number of patients: 20. Only high quality variants are reported.

Mayo Clinic Laboratories, Mayo Clinic
Classification: Benign. Last evaluated: 2022-09-29. Review status: criteria provided, single submitter. Criteria: ACMG Guidelines, 2015. Collection method: clinical testing. Allele origin: germline. Observed: 679 variant alleles.

GeneDx
Classification: Benign. Last evaluated: 2018-06-25. Review status: criteria provided, single submitter. Criteria: GeneDx Variant Classification Process June 2021. Collection method: clinical testing. Allele origin: germline. Affected: yes.

Breakthrough Genomics
Classification: Likely benign. Review status: criteria provided, single submitter. Criteria: ACMG Guidelines, 2015. Collection method: not provided. Allele origin: germline. Inheritance: Autosomal recessive inheritance. Affected: yes.

PreventionGenetics, part of Exact Sciences
Classification: Benign. Review status: criteria provided, single submitter. Criteria: ACMG Guidelines, 2015. Collection method: clinical testing. Allele origin: germline.